The following is an entry in ClinVar:

ClinVar aggregate classification (germline): Uncertain significance (1 of 4 stars; one submission).

Conditions:
CFI-related disorder. Also called: CFI-related condition; CFI-related disorders. Identifiers: MedGen CN239325.

gnomAD v4.1: 1 of 1,614,126 alleles (0.000062%); highest among the groups gnomAD compares: Non-Finnish European, 0.000085%; no homozygotes.

Submission:

Genomenon, Inc
Classification: Uncertain significance for CFI-related disorder. Last evaluated: 2025-09-26. Review status: criteria provided, single submitter. Criteria: Genomenon Sequence Variant Interpretation Standards - Updated. Collection method: curation. Allele origin: germline. Affected: no.
Comment: CFI p.Tyr571Ser (c.1712A>C) is a missense variant that changes the amino acid at residue 571 from Tyrosine to Serine. This variant has been reported in the published literature (PMID:21768352). It is absent or not present at a significant frequency in gnomAD. In silico models agree that this variant is not damaging. In conclusion, we classify CFI p.Tyr571Ser (c.1712A>C) as a variant of unknown significance.

Literature cited by the submitters: PubMed 21768352.

NM_000204.5(CFI):c.1712A>C (p.Tyr571Ser)

Gene: CFI (complement factor I; minus strand). Cytogenetic location: 4q25.
Variant type: single nucleotide variant.
Coding change: c.1712A>C on transcript NM_000204.5 (MANE Select); coding-DNA position 1712, A replaced by C.
Protein change: p.Tyr571Ser; replaces tyrosine 571 with serine.
Molecular consequence: missense variant. On other transcripts: 3 prime UTR variant (2), non-coding transcript variant (3), intron variant (7).
Genome position (GRCh38, 1-based): chr4:109,740,933, T>G on the plus strand (A>C on the coding strand, the complement: CFI is on the minus strand). VCF-style: chr4-109740933-T-G. GRCh37 (hg19) VCF-style: chr4-110662089-T-G.
Other names: c.1736A>C, p.Tyr579Ser (NM_001318057.2); c.1691A>C, p.Tyr564Ser (NM_001331035.2); c.1655A>C, p.Tyr552Ser (NM_001375283.1); c.1103A>C, p.Tyr368Ser (NM_001375284.1); c.1733A>C, p.Tyr578Ser (NM_001440986.1); c.*412A>C (NM_001440989.1, NM_001440991.1); c.1513+1558A>C (NM_001375282.1, NM_001375280.1); c.1534+1558A>C (NM_001375281.1, NM_001375279.1); and 2 more; short protein forms Y368S, Y552S, Y564S, Y571S, Y578S, Y579S.
Identifiers: ClinVar variation 4280571 (VCV004280571.1).